The following is an entry in ClinVar:

NM_001170629.2(CHD8):c.3431A>T (p.Lys1144Met)

Gene: CHD8 (chromodomain helicase DNA binding protein 8; minus strand). Cytogenetic location: 14q11.2.
Variant type: single nucleotide variant.
Coding change: c.3431A>T on transcript NM_001170629.2 (MANE Select); coding-DNA position 3431, A replaced by T.
Protein change: p.Lys1144Met; replaces lysine 1144 with methionine.
Molecular consequence: missense variant.
Genome position (GRCh38, 1-based): chr14:21,403,540, T>A on the plus strand (A>T on the coding strand, the complement: CHD8 is on the minus strand). VCF-style: chr14-21403540-T-A. GRCh37 (hg19) VCF-style: chr14-21871699-T-A.
Other names: c.2594A>T, p.Lys865Met (NM_020920.4); short protein forms K1144M, K865M.
Identifiers: ClinVar variation 3383648 (VCV003383648.1).

ClinVar aggregate classification (germline): Uncertain significance (1 of 4 stars; one submission).

Submission:

GeneDx
Classification: Uncertain significance. Last evaluated: 2024-05-30. Review status: criteria provided, single submitter. Criteria: GeneDx Variant Classification Process June 2021. Collection method: clinical testing. Allele origin: germline. Affected: yes.
Comment: Not observed at significant frequency in large population cohorts (gnomAD); In silico analysis supports that this missense variant has a deleterious effect on protein structure/function; Has not been previously published as pathogenic or benign to our knowledge